The following is an entry in ClinVar:

NM_002769.5(PRSS1):c.342C>T (p.Ser114=)

Genes: PRSS1 (serine protease 1; plus strand), TRB (T cell receptor beta locus; plus strand). Cytogenetic location: 7q34.
Variant type: single nucleotide variant.
Coding change: c.342C>T on transcript NM_002769.5 (MANE Select); coding-DNA position 342, C replaced by T.
Protein change: p.Ser114=; no amino-acid change (serine 114 retained).
Molecular consequence: synonymous variant.
Genome position (GRCh38, 1-based): chr7:142,751,915, C>T. VCF-style: chr7-142751915-C-T. GRCh37 (hg19) VCF-style: chr7-142459766-C-T.
Other names: c.342C>T (NM_002769.4).
Identifiers: ClinVar variation 1128130 (VCV001128130.10), dbSNP rs776924834, ClinGen allele CA4529927.

ClinVar aggregate classification (germline): Conflicting classifications of pathogenicity. Review status: criteria provided, conflicting classifications (1 of 4 stars). 2 submissions from 2 submitters: Uncertain significance (1); Likely benign (1). Last evaluated 2025-05-01.

Conditions:
Hereditary pancreatitis (PCTT). Also called: PRSS1-Related Hereditary Pancreatitis; Hereditary chronic pancreatitis. Identifiers: Orphanet 676, MedGen C0238339, MONDO:0008185, OMIM 167800.

Allele frequency attached by ClinVar (database versions not stated): TOPMed below 0.00001; ExAC 0.00001; gnomAD exomes 0.00001 and 0.00002.
gnomAD v4.1: 31 of 1,614,088 alleles (0.0019%); highest among the groups gnomAD compares: Non-Finnish European, 0.0026%; no homozygotes.

Submissions (2):

Ambry Genetics
Classification: Uncertain significance for Hereditary pancreatitis. Last evaluated: 2025-05-01. Review status: criteria provided, single submitter. Criteria: Ambry Variant Classification Scheme 2023. Collection method: clinical testing. Allele origin: germline.
Comment: The c.342C>T variant (also known as p.S114S), located in coding exon 3 of the PRSS1 gene, results from a C to T substitution at nucleotide position 342. This nucleotide substitution does not change the amino acid at codon 114. This nucleotide position is not well conserved in available vertebrate species. In silico splice site analysis predicts that this alteration may result in the creation or strengthening of a novel splice acceptor site. Based on the available evidence, the clinical significance of this variant remains unclear.

Labcorp Genetics (formerly Invitae), Labcorp
Classification: Likely benign for Hereditary pancreatitis. Last evaluated: 2021-08-12. Review status: criteria provided, single submitter. Criteria: Invitae Variant Classification Sherloc (09022015). Collection method: clinical testing. Allele origin: germline.